The following is an entry in ClinVar:

ClinVar aggregate classification (germline): Uncertain significance (1 of 4 stars; one submission).

gnomAD v4.1: 5 of 1,613,796 alleles (0.00031%); highest among the groups gnomAD compares: Non-Finnish European, 0.00042%; no homozygotes.

Submission:

Labcorp Genetics (formerly Invitae), Labcorp
Classification: Uncertain significance. Last evaluated: 2025-08-20. Review status: criteria provided, single submitter. Criteria: Invitae Variant Classification Sherloc (09022015). Collection method: clinical testing. Allele origin: germline.
Comment: This sequence change replaces asparagine, which is neutral and polar, with aspartic acid, which is acidic and polar, at codon 521 of the DUOX2 protein (p.Asn521Asp). This variant is not present in population databases (gnomAD no frequency). This variant has not been reported in the literature in individuals affected with DUOX2-related conditions. Invitae Evidence Modeling of protein sequence and biophysical properties (such as structural, functional, and spatial information, amino acid conservation, physicochemical variation, residue mobility, and thermodynamic stability) indicates that this missense variant is expected to disrupt DUOX2 protein function with a positive predictive value of 80%. In summary, the available evidence is currently insufficient to determine the role of this variant in disease. Therefore, it has been classified as a Variant of Uncertain Significance.

NM_001363711.2(DUOX2):c.1561A>G (p.Asn521Asp)

Gene: DUOX2 (dual oxidase 2; minus strand). Cytogenetic location: 15q21.1.
Variant type: single nucleotide variant.
Coding change: c.1561A>G on transcript NM_001363711.2 (MANE Select); coding-DNA position 1561, A replaced by G.
Protein change: p.Asn521Asp; replaces asparagine 521 with aspartic acid.
Molecular consequence: missense variant.
Genome position (GRCh38, 1-based): chr15:45,108,060, T>C on the plus strand (A>G on the coding strand, the complement: DUOX2 is on the minus strand). VCF-style: chr15-45108060-T-C. GRCh37 (hg19) VCF-style: chr15-45400258-T-C.
Other names: c.1561A>G, p.Asn521Asp (NM_014080.5); short protein forms N521D.
Identifiers: ClinVar variation 4808979 (VCV004808979.1).